The following is an entry in ClinVar:

NM_015378.4(VPS13D):c.6466G>A (p.Val2156Ile)

Gene: VPS13D (vacuolar protein sorting 13 homolog D; plus strand). Cytogenetic location: 1p36.22.
Variant type: single nucleotide variant.
Coding change: c.6466G>A on transcript NM_015378.4 (MANE Select); coding-DNA position 6466, G replaced by A.
Protein change: p.Val2156Ile; replaces valine 2156 with isoleucine.
Molecular consequence: missense variant.
Genome position (GRCh38, 1-based): chr1:12,308,457, G>A. VCF-style: chr1-12308457-G-A. GRCh37 (hg19) VCF-style: chr1-12368514-G-A.
Other names: p.Val2156Ile; c.6466G>A, p.Val2156Ile (NM_018156.4); short protein forms V2156I.
Identifiers: ClinVar variation 2683698 (VCV002683698.1), dbSNP rs368253297, ClinGen allele CA602609.

ClinVar aggregate classification (germline): Uncertain significance (1 of 4 stars; one submission).

Allele frequency attached by ClinVar (database versions not stated): gnomAD exomes 0.00002; TOPMed 0.00003; ExAC 0.00005; gnomAD 0.00005; ESP Exome Variant Server 0.00008; 1000 Genomes Project 30x 0.00016; 1000 Genomes Project 0.00020.
gnomAD v4.1: 44 of 1,614,084 alleles (0.0027%); highest among the groups gnomAD compares: Admixed American, 0.01%; no homozygotes.

Submission:

Mayo Clinic Laboratories, Mayo Clinic
Classification: Uncertain significance. Last evaluated: 2023-02-22. Review status: criteria provided, single submitter. Criteria: ACMG Guidelines, 2015. Collection method: clinical testing. Allele origin: germline. Observed: 1 variant allele.
Comment: BP4, PM2